The following is an entry in ClinVar:

NM_173551.5(ANKS6):c.1301T>C (p.Leu434Pro)

Gene: ANKS6 (ankyrin repeat and sterile alpha motif domain containing 6; minus strand). Cytogenetic location: 9q22.33.
Variant type: single nucleotide variant.
Coding change: c.1301T>C on transcript NM_173551.5 (MANE Select); coding-DNA position 1301, T replaced by C.
Protein change: p.Leu434Pro; replaces leucine 434 with proline.
Molecular consequence: missense variant.
Genome position (GRCh38, 1-based): chr9:98,780,256, A>G on the plus strand (T>C on the coding strand, the complement: ANKS6 is on the minus strand). VCF-style: chr9-98780256-A-G. GRCh37 (hg19) VCF-style: chr9-101542538-A-G.
Other names: c.1301T>C (NM_173551.3, NM_173551.4); short protein forms L434P.
Identifiers: ClinVar variation 2201472 (VCV002201472.7), dbSNP rs371456288, ClinGen allele CA5153553.

ClinVar aggregate classification (germline): Conflicting classifications of pathogenicity. Review status: criteria provided, conflicting classifications (1 of 4 stars). 4 submissions from 4 submitters: Uncertain significance (3); Likely benign (1). Last evaluated 2026-05-15.

Conditions:
ANKS6-related disorder. Also called: ANKS6-related condition.
Nephronophthisis 16 (NPHP16). Identifiers: Orphanet 655, MedGen C3809320, MONDO:0014158, OMIM 615382.
Inborn genetic diseases. Identifiers: MedGen C0950123, MeSH D030342.

Allele frequency attached by ClinVar (database versions not stated): TOPMed 0.00003; gnomAD 0.00005; ExAC 0.00008; ESP Exome Variant Server 0.00008; gnomAD exomes 0.00008.

Submissions (4):

PreventionGenetics, part of Exact Sciences
Classification: Uncertain significance for ANKS6-related condition. Last evaluated: 2026-05-15. Review status: criteria provided, single submitter. Criteria: ACMG Guidelines, 2015. Collection method: clinical testing. Allele origin: germline.
Comment: The ANKS6 c.1301T>C variant is predicted to result in the amino acid substitution p.Leu434Pro. To our knowledge, this variant has not been reported in the literature. This variant is reported in 0.036% of alleles in individuals of South Asian descent in gnomAD. At this time, the clinical significance of this variant is uncertain due to the absence of conclusive functional and genetic evidence.

GeneDx
Classification: Uncertain significance. Last evaluated: 2023-01-31. Review status: criteria provided, single submitter. Criteria: GeneDx Variant Classification Process June 2021. Collection method: clinical testing. Allele origin: germline. Affected: yes.
Comment: In silico analysis supports that this missense variant does not alter protein structure/function; Has not been previously published as pathogenic or benign to our knowledge

Ambry Genetics
Classification: Likely benign for Inborn genetic diseases. Last evaluated: 2022-07-19. Review status: criteria provided, single submitter. Criteria: Ambry Variant Classification Scheme 2023. Collection method: clinical testing. Allele origin: germline.

Labcorp Genetics (formerly Invitae), Labcorp
Classification: Uncertain significance for Nephronophthisis 16. Last evaluated: 2022-06-11. Review status: criteria provided, single submitter. Criteria: Invitae Variant Classification Sherloc (09022015). Collection method: clinical testing. Allele origin: germline.
Comment: In summary, the available evidence is currently insufficient to determine the role of this variant in disease. Therefore, it has been classified as a Variant of Uncertain Significance. Algorithms developed to predict the effect of missense changes on protein structure and function output the following: SIFT: "Tolerated"; PolyPhen-2: "Benign"; Align-GVGD: "Class C0". The proline amino acid residue is found in multiple mammalian species, which suggests that this missense change does not adversely affect protein function. This variant has not been reported in the literature in individuals affected with ANKS6-related conditions. This variant is present in population databases (rs371456288, gnomAD 0.04%). This sequence change replaces leucine, which is neutral and non-polar, with proline, which is neutral and non-polar, at codon 434 of the ANKS6 protein (p.Leu434Pro).